The following is an entry in ClinVar:

NM_005202.4(COL8A2):c.1855G>A (p.Val619Ile)

Gene: COL8A2 (collagen type VIII alpha 2 chain; minus strand). Cytogenetic location: 1p34.3.
Variant type: single nucleotide variant.
Coding change: c.1855G>A on transcript NM_005202.4 (MANE Select); coding-DNA position 1855, G replaced by A.
Protein change: p.Val619Ile; replaces valine 619 with isoleucine.
Molecular consequence: missense variant.
Genome position (GRCh38, 1-based): chr1:36,097,826, C>T on the plus strand (G>A on the coding strand, the complement: COL8A2 is on the minus strand). VCF-style: chr1-36097826-C-T. GRCh37 (hg19) VCF-style: chr1-36563427-C-T.
Other names: c.1660G>A, p.Val554Ile (NM_001294347.2); short protein forms V554I, V619I.
Identifiers: ClinVar variation 3147823 (VCV003147823.3), dbSNP rs150169820, ClinGen allele CA764852.

ClinVar aggregate classification (germline): Uncertain significance. Review status: criteria provided, multiple submitters, no conflicts (2 of 4 stars). 2 submissions from 2 submitters: Uncertain significance (2). Last evaluated 2025-08-20.

Conditions:
Inborn genetic diseases. Identifiers: MedGen C0950123, MeSH D030342.

Allele frequency attached by ClinVar (database versions not stated): gnomAD exomes 0.00002; ExAC 0.00007; gnomAD 0.00016; ESP Exome Variant Server 0.00023; TOPMed 0.00026.

Submissions (2):

Ambry Genetics
Classification: Uncertain significance for Inborn genetic diseases. Last evaluated: 2025-08-20. Review status: criteria provided, single submitter. Criteria: Ambry Variant Classification Scheme 2023. Collection method: clinical testing. Allele origin: germline.

Labcorp Genetics (formerly Invitae), Labcorp
Classification: Uncertain significance. Last evaluated: 2025-05-05. Review status: criteria provided, single submitter. Criteria: Invitae Variant Classification Sherloc (09022015). Collection method: clinical testing. Allele origin: germline.
Comment: This sequence change replaces valine, which is neutral and non-polar, with isoleucine, which is neutral and non-polar, at codon 619 of the COL8A2 protein (p.Val619Ile). This variant is present in population databases (rs150169820, gnomAD 0.07%), and has an allele count higher than expected for a pathogenic variant. This variant has not been reported in the literature in individuals affected with COL8A2-related conditions. ClinVar contains an entry for this variant (Variation ID: 3147823). An algorithm developed to predict the effect of missense changes on protein structure and function (PolyPhen-2) suggests that this variant is likely to be tolerated. In summary, the available evidence is currently insufficient to determine the role of this variant in disease. Therefore, it has been classified as a Variant of Uncertain Significance.